The following is an entry in ClinVar:

ClinVar aggregate classification (germline): Likely pathogenic. Review status: criteria provided, single submitter (1 of 4 stars). 2 submissions from 2 submitters: Likely pathogenic (1). 1 of the submissions does not count toward it. Last evaluated 2023-01-24.

Conditions:
Developmental and epileptic encephalopathy, 44 (DEE44). Also called: Epileptic encephalopathy, early infantile, 44. Identifiers: MedGen C4310700, MONDO:0014933, OMIM 617132.
UBA5-related disorder. Also called: UBA5-related disorders; UBA5-related condition.

Allele frequency attached by ClinVar (database versions not stated): gnomAD exomes below 0.00001.

Submissions (2):

PreventionGenetics, part of Exact Sciences
Classification: Likely pathogenic for UBA5-related condition. Last evaluated: 2023-01-24. Review status: criteria provided, single submitter. Criteria: ACMG Guidelines, 2015. Collection method: clinical testing. Allele origin: germline.
Comment: The UBA5 c.904C>T variant is predicted to result in premature protein termination (p.Gln302*). This variant has been reported in the compound heterozygous state in two siblings with early-onset encephalopathy (Family A, Colin et al. 2016. PubMed ID: 27545681). This variant has not been reported in a large population database, indicating this variant is rare. Nonsense variants in UBA5 are expected to be pathogenic. This variant is interpreted as likely pathogenic.

OMIM
Classification: Pathogenic for DEVELOPMENTAL AND EPILEPTIC ENCEPHALOPATHY 44. Last evaluated: 2020-11-19. Review status: no assertion criteria provided. Collection method: literature only. Allele origin: germline. Not counted in ClinVar's aggregate classification.

Literature cited by the submitters: PubMed 27545681 (cited by OMIM).

NM_024818.6(UBA5):c.904C>T (p.Gln302Ter)

Genes: NPHP3-ACAD11 (NPHP3-ACAD11 readthrough (NMD candidate); minus strand), UBA5 (ubiquitin like modifier activating enzyme 5; plus strand). Cytogenetic location: 3q22.1.
Variant type: single nucleotide variant.
Coding change: c.904C>T on transcript NM_024818.6 (MANE Select); coding-DNA position 904, C replaced by T.
Protein change: p.Gln302Ter; replaces glutamine 302 with a stop codon.
Molecular consequence: nonsense.
Genome position (GRCh38, 1-based): chr3:132,675,339, C>T. VCF-style: chr3-132675339-C-T. GRCh37 (hg19) VCF-style: chr3-132394183-C-T.
Other names: c.736C>T, p.Gln246Ter (NM_001320210.2, NM_198329.4); c.634C>T, p.Gln212Ter (NM_001321238.2); c.568C>T, p.Gln190Ter (NM_001321239.1); short protein forms Q302*, Q190*, Q212*, Q246*.
Identifiers: ClinVar variation 265750 (VCV000265750.4), dbSNP rs886039757, ClinGen allele CA10588807.